The following is an entry in ClinVar:

NM_001135998.3(NDUFB11):c.404C>T (p.Pro135Leu)

Gene: NDUFB11 (NADH:ubiquinone oxidoreductase subunit B11; minus strand). Cytogenetic location: Xp11.3.
Variant type: single nucleotide variant.
Coding change: c.404C>T on transcript NM_001135998.3 (MANE Select); coding-DNA position 404, C replaced by T.
Protein change: p.Pro135Leu; replaces proline 135 with leucine.
Molecular consequence: missense variant.
Genome position (GRCh38, 1-based): chrX:47,142,375, G>A on the plus strand (C>T on the coding strand, the complement: NDUFB11 is on the minus strand). VCF-style: chrX-47142375-G-A. GRCh37 (hg19) VCF-style: chrX-47001774-G-A.
Other names: c.434C>T, p.Pro145Leu (NM_019056.7); short protein forms P135L, P145L.
Identifiers: ClinVar variation 1879761 (VCV001879761.29), dbSNP rs1293922210, ClinGen allele CA412780168.

ClinVar aggregate classification (germline): Uncertain significance (1 of 4 stars; one submission).

Allele frequency attached by ClinVar (database versions not stated): gnomAD exomes 0.00001; TOPMed 0.00001.
gnomAD v4.1: 7 of 1,211,531 alleles (0.00058%); highest among the groups gnomAD compares: Non-Finnish European, 0.00056%; no homozygotes.

Submission:

CeGaT Center for Human Genetics Tuebingen
Classification: Uncertain significance. Last evaluated: 2022-12-01. Review status: criteria provided, single submitter. Criteria: CeGaT Center For Human Genetics Tuebingen Variant Classification Criteria Version 2. Collection method: clinical testing. Allele origin: germline. Affected: yes. Observed: 1 variant allele.
Comment: NDUFB11: PM2, BP4